The following is an entry in ClinVar:

ClinVar aggregate classification (germline): Uncertain significance. Review status: criteria provided, multiple submitters, no conflicts (2 of 4 stars). 2 submissions from 2 submitters: Uncertain significance (2). Last evaluated 2025-04-28.

Conditions:
Inborn genetic diseases. Identifiers: MedGen C0950123, MeSH D030342.

Allele frequency attached by ClinVar (database versions not stated): TOPMed below 0.00001; gnomAD 0.00001.
gnomAD v4.1: 12 of 1,613,942 alleles (0.00074%); highest among the groups gnomAD compares: African/African-American, 0.0013%; no homozygotes.

Submissions (2):

Labcorp Genetics (formerly Invitae), Labcorp
Classification: Uncertain significance. Last evaluated: 2025-04-28. Review status: criteria provided, single submitter. Criteria: Invitae Variant Classification Sherloc (09022015). Collection method: clinical testing. Allele origin: germline.
Comment: This sequence change replaces glutamic acid, which is acidic and polar, with glutamine, which is neutral and polar, at codon 1251 of the CNGB1 protein (p.Glu1251Gln). This variant is not present in population databases (gnomAD no frequency). This variant has not been reported in the literature in individuals affected with CNGB1-related conditions. ClinVar contains an entry for this variant (Variation ID: 960269). Invitae Evidence Modeling of protein sequence and biophysical properties (such as structural, functional, and spatial information, amino acid conservation, physicochemical variation, residue mobility, and thermodynamic stability) indicates that this missense variant is not expected to disrupt CNGB1 protein function with a negative predictive value of 95%. In summary, the available evidence is currently insufficient to determine the role of this variant in disease. Therefore, it has been classified as a Variant of Uncertain Significance.

Ambry Genetics
Classification: Uncertain significance for Inborn genetic diseases. Last evaluated: 2025-04-13. Review status: criteria provided, single submitter. Criteria: Ambry Variant Classification Scheme 2023. Collection method: clinical testing. Allele origin: germline.

NM_001297.5(CNGB1):c.3751G>C (p.Glu1251Gln)

Gene: CNGB1 (cyclic nucleotide gated channel subunit beta 1; minus strand). Cytogenetic location: 16q21.
Variant type: single nucleotide variant.
Coding change: c.3751G>C on transcript NM_001297.5 (MANE Select); coding-DNA position 3751, G replaced by C.
Protein change: p.Glu1251Gln; replaces glutamic acid 1251 with glutamine.
Molecular consequence: missense variant.
Genome position (GRCh38, 1-based): chr16:57,884,169, C>G on the plus strand (G>C on the coding strand, the complement: CNGB1 is on the minus strand). VCF-style: chr16-57884169-C-G. GRCh37 (hg19) VCF-style: chr16-57918073-C-G.
Other names: c.3733G>C, p.Glu1245Gln (NM_001286130.2); short protein forms E1245Q, E1251Q.
Identifiers: ClinVar variation 960269 (VCV000960269.10), dbSNP rs768947322, ClinGen allele CA396058929.